The following is an entry in ClinVar:

NM_001267550.2(TTN):c.103804C>T (p.Gln34602Ter)

Genes: TTN (titin; minus strand), TTN-AS1 (TTN antisense RNA 1; plus strand). Cytogenetic location: 2q31.2.
Variant type: single nucleotide variant.
Coding change: c.103804C>T on transcript NM_001267550.2 (MANE Select); coding-DNA position 103804, C replaced by T.
Protein change: p.Gln34602Ter; replaces glutamine 34602 with a stop codon.
Molecular consequence: nonsense.
Genome position (GRCh38, 1-based): chr2:178,532,811, G>A on the plus strand (C>T on the coding strand, the complement: TTN is on the minus strand). VCF-style: chr2-178532811-G-A. GRCh37 (hg19) VCF-style: chr2-179397538-G-A.
Other names: c.77185C>T, p.Gln25729Ter (NM_133437.4); c.98881C>T, p.Gln32961Ter (NM_001256850.1); c.76609C>T, p.Gln25537Ter (NM_003319.4); c.96100C>T, p.Gln32034Ter (NM_133378.4); c.76984C>T, p.Gln25662Ter (NM_133432.3); short protein forms Q25537*, Q25662*, Q25729*, Q32034*, Q32961*, Q34602*.
Identifiers: ClinVar variation 3027124 (VCV003027124.24), dbSNP rs727505242, ClinGen allele CA349413473.
Genomic context (GRCh38, chr2:178,532,811, plus strand): 5'-GAATACGCCATTTAGGTCTGTATTGATCTGTAATGCGTGGAAGAGGCATCACATAGAACT[G>A]TTCCCATCTTGAAAGGCGGATGCGCTTGGGTCGTTTCTGTACAACTCTGTCAAGTTTCCC-3'

ClinVar aggregate classification (germline): Likely pathogenic. Review status: criteria provided, multiple submitters, no conflicts (2 of 4 stars). 2 submissions from 2 submitters: Likely pathogenic (2). Last evaluated 2024-02-25.

Conditions:
Dilated cardiomyopathy 1G (CMD1G). Identifiers: Orphanet 154, MedGen C1858763, MONDO:0011400, OMIM 604145.
Autosomal recessive limb-girdle muscular dystrophy type 2J (LGMDR10). Also called: Limb-girdle muscular dystrophy, type 2J; MUSCULAR DYSTROPHY, LIMB-GIRDLE, AUTOSOMAL RECESSIVE 10. Identifiers: Orphanet 140922, MedGen C1837342, MONDO:0012127, OMIM 608807.

Submissions (2):

Labcorp Genetics (formerly Invitae), Labcorp
Classification: Likely pathogenic for Dilated cardiomyopathy 1G; Autosomal recessive limb-girdle muscular dystrophy type 2J. Last evaluated: 2024-02-25. Review status: criteria provided, single submitter. Criteria: Invitae Variant Classification Sherloc (09022015). Collection method: clinical testing. Allele origin: germline.
Comment: This sequence change creates a premature translational stop signal (p.Gln34602*) in the TTN gene. While this is not anticipated to result in nonsense mediated decay, it is expected to create a truncated TTN protein. This variant is not present in population databases (gnomAD no frequency). This variant has not been reported in the literature in individuals affected with TTN-related conditions. This variant is located in the M band of TTN (PMID: 25589632). Truncating variants in this region have been previously reported in individuals affected with autosomal recessive myopathy and muscular dystrophy (PMID: 18948003, 23975875, 24395473). Truncating variants in this region have also been identified in individuals affected with autosomal dominant dilated cardiomyopathy and/or cardio-related conditions (PMID: 27869827, 32964742, Invitae internal data). In summary, the currently available evidence indicates that the variant is pathogenic, but additional data are needed to prove that conclusively. Therefore, this variant has been classified as Likely Pathogenic.

CeGaT Center for Human Genetics Tuebingen
Classification: Likely pathogenic. Last evaluated: 2024-02-01. Review status: criteria provided, single submitter. Criteria: CeGaT Center For Human Genetics Tuebingen Variant Classification Criteria Version 2. Collection method: clinical testing. Allele origin: germline. Affected: yes. Observed: 1 variant allele.
Comment: TTN: PVS1:Strong, PM2

Literature cited by the submitters: PubMed 25589632 (cited by Labcorp Genetics (formerly Invitae), Labcorp); PubMed 18948003 (cited by Labcorp Genetics (formerly Invitae), Labcorp); PubMed 23975875 (cited by Labcorp Genetics (formerly Invitae), Labcorp); PubMed 24395473 (cited by Labcorp Genetics (formerly Invitae), Labcorp); PubMed 27869827 (cited by Labcorp Genetics (formerly Invitae), Labcorp); PubMed 32964742 (cited by Labcorp Genetics (formerly Invitae), Labcorp).